The following is an entry in ClinVar:

NM_001873.4(CPE):c.1268C>T (p.Ala423Val)

Gene: CPE (carboxypeptidase E; plus strand). Cytogenetic location: 4q32.3.
Variant type: single nucleotide variant.
Coding change: c.1268C>T on transcript NM_001873.4 (MANE Select); coding-DNA position 1268, C replaced by T.
Protein change: p.Ala423Val; replaces alanine 423 with valine.
Molecular consequence: missense variant.
Genome position (GRCh38, 1-based): chr4:165,495,613, C>T. VCF-style: chr4-165495613-C-T. GRCh37 (hg19) VCF-style: chr4-166416765-C-T.
Other names: short protein forms A423V.
Identifiers: ClinVar variation 707890 (VCV000707890.34), dbSNP rs142920534, ClinGen allele CA3130415.

ClinVar aggregate classification (germline): Benign/Likely benign. Review status: criteria provided, multiple submitters, no conflicts (2 of 4 stars). 4 submissions from 4 submitters: Benign (2); Likely benign (1). 1 of the submissions does not count toward it. Last evaluated 2026-08-01.

Conditions:
CPE-related disorder. Also called: CPE-related condition.

Allele frequency attached by ClinVar (database versions not stated): 1000 Genomes Project 30x 0.00078; 1000 Genomes Project 0.00080; TOPMed 0.00281; ESP Exome Variant Server 0.00346; ExAC 0.00400; gnomAD exomes 0.00451 and 0.00475; gnomAD 0.00454 and 0.00471.
gnomAD v4.1: 7,620 of 1,613,948 alleles (0.47%); highest among the groups gnomAD compares: Non-Finnish European, 0.48%; 32 homozygotes.

Submissions (4):

CeGaT Center for Human Genetics Tuebingen
Classification: Likely benign. Last evaluated: 2026-08-01. Review status: criteria provided, single submitter. Criteria: CeGaT Center For Human Genetics Tuebingen Variant Classification Criteria Version 2. Collection method: clinical testing. Allele origin: germline. Affected: yes. Observed: 20 variant alleles.
Comment: CPE: BS2

Labcorp Genetics (formerly Invitae), Labcorp
Classification: Benign. Last evaluated: 2026-01-19. Review status: criteria provided, single submitter. Criteria: Invitae Variant Classification Sherloc (09022015). Collection method: clinical testing. Allele origin: germline.

Breakthrough Genomics
Classification: Benign. Review status: criteria provided, single submitter. Criteria: ACMG Guidelines, 2015. Collection method: not provided. Allele origin: germline. Inheritance: Autosomal recessive inheritance. Affected: yes.

PreventionGenetics, part of Exact Sciences
Classification: Benign for CPE-related condition. Last evaluated: 2019-07-18. Review status: no assertion criteria provided. Collection method: clinical testing. Allele origin: germline. Not counted in ClinVar's aggregate classification.
Comment: This variant is classified as benign based on ACMG/AMP sequence variant interpretation guidelines (Richards et al. 2015 PMID: 25741868, with internal and published modifications).